The following is an entry in ClinVar:

ClinVar aggregate classification (germline): Uncertain significance. Review status: criteria provided, multiple submitters, no conflicts (2 of 4 stars). 2 submissions from 2 submitters: Uncertain significance (2). Last evaluated 2025-06-09.

Conditions:
Inborn genetic diseases. Identifiers: MedGen C0950123, MeSH D030342.

Submissions (2):

Labcorp Genetics (formerly Invitae), Labcorp
Classification: Uncertain significance. Last evaluated: 2025-06-09. Review status: criteria provided, single submitter. Criteria: Invitae Variant Classification Sherloc (09022015). Collection method: clinical testing. Allele origin: germline.
Comment: This sequence change replaces proline, which is neutral and non-polar, with threonine, which is neutral and polar, at codon 641 of the COL11A2 protein (p.Pro641Thr). This variant is not present in population databases (gnomAD no frequency). This variant has not been reported in the literature in individuals affected with COL11A2-related conditions. ClinVar contains an entry for this variant (Variation ID: 2327209). Invitae Evidence Modeling of protein sequence and biophysical properties (such as structural, functional, and spatial information, amino acid conservation, physicochemical variation, residue mobility, and thermodynamic stability) indicates that this missense variant is not expected to disrupt COL11A2 protein function with a negative predictive value of 95%. In summary, the available evidence is currently insufficient to determine the role of this variant in disease. Therefore, it has been classified as a Variant of Uncertain Significance.

Ambry Genetics
Classification: Uncertain significance for Inborn genetic diseases. Last evaluated: 2022-11-18. Review status: criteria provided, single submitter. Criteria: Ambry Variant Classification Scheme 2023. Collection method: clinical testing. Allele origin: germline.

NM_080680.3(COL11A2):c.1921C>A (p.Pro641Thr)

Gene: COL11A2 (collagen type XI alpha 2 chain; minus strand). Cytogenetic location: 6p21.32.
Variant type: single nucleotide variant.
Coding change: c.1921C>A on transcript NM_080680.3 (MANE Select); coding-DNA position 1921, C replaced by A.
Protein change: p.Pro641Thr; replaces proline 641 with threonine.
Molecular consequence: missense variant.
Genome position (GRCh38, 1-based): chr6:33,177,462, G>T on the plus strand (C>A on the coding strand, the complement: COL11A2 is on the minus strand). VCF-style: chr6-33177462-G-T. GRCh37 (hg19) VCF-style: chr6-33145239-G-T.
Other names: c.1600C>A, p.Pro534Thr (NM_080679.3); c.1663C>A, p.Pro555Thr (NM_080681.3); short protein forms P555T, P534T, P641T.
Identifiers: ClinVar variation 2327209 (VCV002327209.3), dbSNP rs1771085573, ClinGen allele CA363654846.